The following is an entry in ClinVar:

NM_138459.5(NUS1):c.106A>T (p.Ile36Phe)

Gene: NUS1 (NUS1 dehydrodolichyl diphosphate synthase subunit; plus strand). Cytogenetic location: 6q22.1.
Variant type: single nucleotide variant.
Coding change: c.106A>T on transcript NM_138459.5 (MANE Select); coding-DNA position 106, A replaced by T.
Protein change: p.Ile36Phe; replaces isoleucine 36 with phenylalanine.
Molecular consequence: missense variant.
Genome position (GRCh38, 1-based): chr6:117,675,776, A>T. VCF-style: chr6-117675776-A-T. GRCh37 (hg19) VCF-style: chr6-117996939-A-T.
Other names: short protein forms I36F.
Identifiers: ClinVar variation 3705646 (VCV003705646.2).
Genomic context (GRCh38, chr6:117,675,776, plus strand): 5'-CTCTGTCTGCACCGCACGCTCACCTCCTGGCTCCGCGTTCGGTTCGGCACCTGGAACTGG[A>T]TCTGGCGGCGCTGCTGCCGCGCCGCCTCTGCCGCGGTCCTAGCGCCGCTCGGCTTCACGC-3'
Protein context (NP_612468.1, residues 26-46): LRVRFGTWNW[Ile36Phe]WRRCCRAASA

ClinVar aggregate classification (germline): Uncertain significance (1 of 4 stars; one submission).

Conditions:
Congenital disorder of glycosylation, type Iaa. Also called: Congenital disorder of glycosylation, type 1aa. Identifiers: MedGen C4310727, MONDO:0014904, OMIM 617082.

gnomAD v4.1: 12 of 1,559,580 alleles (0.00077%); highest among the groups gnomAD compares: Non-Finnish European, 0.001%; no homozygotes.

Submission:

Labcorp Genetics (formerly Invitae), Labcorp
Classification: Uncertain significance for Congenital disorder of glycosylation, type Iaa. Last evaluated: 2024-10-09. Review status: criteria provided, single submitter. Criteria: Invitae Variant Classification Sherloc (09022015). Collection method: clinical testing. Allele origin: germline.
Comment: This sequence change replaces isoleucine, which is neutral and non-polar, with phenylalanine, which is neutral and non-polar, at codon 36 of the NUS1 protein (p.Ile36Phe). This variant is not present in population databases (gnomAD no frequency). This variant has not been reported in the literature in individuals affected with NUS1-related conditions. An algorithm developed to predict the effect of missense changes on protein structure and function (PolyPhen-2) suggests that this variant is likely to be tolerated. In summary, the available evidence is currently insufficient to determine the role of this variant in disease. Therefore, it has been classified as a Variant of Uncertain Significance.